The following is an entry in ClinVar:

ClinVar aggregate classification (germline): Uncertain significance. Review status: criteria provided, multiple submitters, no conflicts (2 of 4 stars). 2 submissions from 2 submitters: Uncertain significance (2). Last evaluated 2024-12-12.

Conditions:
Inborn genetic diseases. Identifiers: MedGen C0950123, MeSH D030342.

Allele frequency attached by ClinVar (database versions not stated): gnomAD exomes below 0.00001 and 0.00001; TOPMed 0.00002; gnomAD 0.00005; ESP Exome Variant Server 0.00008.
gnomAD v4.1: 11 of 1,609,616 alleles (0.00068%); highest among the groups gnomAD compares: African/African-American, 0.012%; no homozygotes.

Submissions (2):

Labcorp Genetics (formerly Invitae), Labcorp
Classification: Uncertain significance. Last evaluated: 2024-12-12. Review status: criteria provided, single submitter. Criteria: Invitae Variant Classification Sherloc (09022015). Collection method: clinical testing. Allele origin: germline.
Comment: This sequence change replaces serine, which is neutral and polar, with asparagine, which is neutral and polar, at codon 608 of the DNA2 protein (p.Ser608Asn). This variant is present in population databases (rs372702219, gnomAD 0.004%). This variant has not been reported in the literature in individuals affected with DNA2-related conditions. ClinVar contains an entry for this variant (Variation ID: 1398885). An algorithm developed to predict the effect of missense changes on protein structure and function (PolyPhen-2) suggests that this variant is likely to be disruptive. In summary, the available evidence is currently insufficient to determine the role of this variant in disease. Therefore, it has been classified as a Variant of Uncertain Significance.

Ambry Genetics
Classification: Uncertain significance for Inborn genetic diseases. Last evaluated: 2023-07-05. Review status: criteria provided, single submitter. Criteria: Ambry Variant Classification Scheme 2023. Collection method: clinical testing. Allele origin: germline.

NM_001080449.3(DNA2):c.1823G>A (p.Ser608Asn)

Gene: DNA2 (DNA replication helicase/nuclease 2; minus strand). Cytogenetic location: 10q21.3.
Variant type: single nucleotide variant.
Coding change: c.1823G>A on transcript NM_001080449.3 (MANE Select); coding-DNA position 1823, G replaced by A.
Protein change: p.Ser608Asn; replaces serine 608 with asparagine.
Molecular consequence: missense variant. On other transcripts: non-coding transcript variant (1).
Genome position (GRCh38, 1-based): chr10:68,432,256, C>T on the plus strand (G>A on the coding strand, the complement: DNA2 is on the minus strand). VCF-style: chr10-68432256-C-T. GRCh37 (hg19) VCF-style: chr10-70192013-C-T.
Other names: c.1823G>A (NM_001080449.2); short protein forms S608N.
Identifiers: ClinVar variation 1398885 (VCV001398885.6), dbSNP rs372702219, ClinGen allele CA208203307.
Genomic context (GRCh38, chr10:68,432,256, plus strand): 5'-TTTAGCATACCCTTTAGAATGCAGGCAACTGTATCCTTTGCATCATGTGGAAGAACAGAA[C>T]TAAGGTAGGATATAAACTGAGGTTCACGAAAGTCAATAATTAAATCTCGAAGTTTTTTGC-3'
Protein context (NP_001073918.2, residues 598-618): FREPQFISYL[Ser608Asn]SVLPHDAKDT